The following is an entry in ClinVar:

ClinVar aggregate classification (germline): Uncertain significance (1 of 4 stars; one submission).

Allele frequency attached by ClinVar (database versions not stated): gnomAD exomes below 0.00001.
gnomAD v4.1: 3 of 1,608,388 alleles (0.00019%); highest among the groups gnomAD compares: Non-Finnish European, 0.00017%; no homozygotes.

Submission:

Labcorp Genetics (formerly Invitae), Labcorp
Classification: Uncertain significance. Last evaluated: 2025-08-03. Review status: criteria provided, single submitter. Criteria: Invitae Variant Classification Sherloc (09022015). Collection method: clinical testing. Allele origin: germline.
Comment: This sequence change replaces aspartic acid, which is acidic and polar, with glutamic acid, which is acidic and polar, at codon 72 of the EXOSC8 protein (p.Asp72Glu). This variant is not present in population databases (gnomAD no frequency). This variant has not been reported in the literature in individuals affected with EXOSC8-related conditions. ClinVar contains an entry for this variant (Variation ID: 2794334). Invitae Evidence Modeling of protein sequence and biophysical properties (such as structural, functional, and spatial information, amino acid conservation, physicochemical variation, residue mobility, and thermodynamic stability) indicates that this missense variant is not expected to disrupt EXOSC8 protein function with a negative predictive value of 80%. In summary, the available evidence is currently insufficient to determine the role of this variant in disease. Therefore, it has been classified as a Variant of Uncertain Significance.

NM_181503.3(EXOSC8):c.216T>A (p.Asp72Glu)

Gene: EXOSC8 (exosome component 8; plus strand). Cytogenetic location: 13q13.3.
Variant type: single nucleotide variant.
Coding change: c.216T>A on transcript NM_181503.3 (MANE Select); coding-DNA position 216, T replaced by A.
Protein change: p.Asp72Glu; replaces aspartic acid 72 with glutamic acid.
Molecular consequence: missense variant.
Genome position (GRCh38, 1-based): chr13:37,004,539, T>A. VCF-style: chr13-37004539-T-A. GRCh37 (hg19) VCF-style: chr13-37578676-T-A.
Other names: short protein forms D72E.
Identifiers: ClinVar variation 2794334 (VCV002794334.3), dbSNP rs199679550, ClinGen allele CA248243402.